The following is an entry in ClinVar:

ClinVar aggregate classification (germline): Pathogenic (1 of 4 stars; one submission).

Conditions:
Hereditary hemochromatosis (HFE). Identifiers: MedGen C0392514, MONDO:0006507. Disease mechanism: loss of function.

Submission:

Labcorp Genetics (formerly Invitae), Labcorp
Classification: Pathogenic for Hereditary hemochromatosis. Last evaluated: 2022-04-21. Review status: criteria provided, single submitter. Criteria: Invitae Variant Classification Sherloc (09022015). Collection method: clinical testing. Allele origin: germline.
Comment: For these reasons, this variant has been classified as Pathogenic. This variant has not been reported in the literature in individuals affected with TFR2-related conditions. This variant is not present in population databases (gnomAD no frequency). This sequence change creates a premature translational stop signal (p.Arg65Aspfs*23) in the TFR2 gene. It is expected to result in an absent or disrupted protein product. Loss-of-function variants in TFR2 are known to be pathogenic (PMID: 23600741, 26029709).

Literature cited by the submitters: PubMed 23600741; PubMed 26029709.

NM_003227.4(TFR2):c.192del (p.Arg65fs)

Gene: TFR2 (transferrin receptor 2; minus strand). Cytogenetic location: 7q22.1.
Variant type: Deletion.
Coding change: c.192del on transcript NM_003227.4 (MANE Select); coding-DNA position 192, one base deleted (T; older notation c.192delT).
Protein change: p.Arg65fs; shifts the reading frame from arginine 65.
Molecular consequence: frameshift variant.
Genome position (GRCh38, 1-based): chr7:100,641,070, A deleted on the plus strand (T on the coding strand, the reverse complement: TFR2 is on the minus strand). VCF-style (leftmost placement, unchanged base first): chr7-100641069-TA-T. GRCh37 (hg19) VCF-style: chr7-100238692-TA-T.
Other names: short protein forms R65fs.
Identifiers: ClinVar variation 2128816 (VCV002128816.4), dbSNP rs2486147622, ClinGen allele CA2580075991.